The following is an entry in ClinVar:

ClinVar aggregate classification (germline): Uncertain significance. Review status: criteria provided, multiple submitters, no conflicts (2 of 4 stars). 2 submissions from 2 submitters: Uncertain significance (2). Last evaluated 2024-11-17.

Allele frequency attached by ClinVar (database versions not stated): gnomAD exomes below 0.00001 and 0.00001; TOPMed below 0.00001; gnomAD 0.00001.
gnomAD v4.1: 9 of 1,613,360 alleles (0.00056%); highest among the groups gnomAD compares: Non-Finnish European, 0.00076%; no homozygotes.

Submissions (2):

GeneDx
Classification: Uncertain significance. Last evaluated: 2024-11-17. Review status: criteria provided, single submitter. Criteria: GeneDx Variant Classification Process June 2021. Collection method: clinical testing. Allele origin: germline. Affected: yes.
Comment: In silico analysis indicates that this missense variant does not alter protein structure/function; Has not been previously published as pathogenic or benign to our knowledge

Labcorp Genetics (formerly Invitae), Labcorp
Classification: Uncertain significance. Last evaluated: 2022-05-11. Review status: criteria provided, single submitter. Criteria: Invitae Variant Classification Sherloc (09022015). Collection method: clinical testing. Allele origin: germline.
Comment: This variant has not been reported in the literature in individuals affected with DEAF1-related conditions. This sequence change replaces alanine, which is neutral and non-polar, with threonine, which is neutral and polar, at codon 366 of the DEAF1 protein (p.Ala366Thr). This variant is present in population databases (no rsID available, gnomAD 0.0009%). ClinVar contains an entry for this variant (Variation ID: 420265). Algorithms developed to predict the effect of missense changes on protein structure and function are either unavailable or do not agree on the potential impact of this missense change (SIFT: "Deleterious"; PolyPhen-2: "Benign"; Align-GVGD: "Class C55"). In summary, the available evidence is currently insufficient to determine the role of this variant in disease. Therefore, it has been classified as a Variant of Uncertain Significance.

NM_021008.4(DEAF1):c.1096G>A (p.Ala366Thr)

Gene: DEAF1 (DEAF1 transcription factor; minus strand). Cytogenetic location: 11p15.5.
Variant type: single nucleotide variant.
Coding change: c.1096G>A on transcript NM_021008.4 (MANE Select); coding-DNA position 1096, G replaced by A.
Protein change: p.Ala366Thr; replaces alanine 366 with threonine.
Molecular consequence: missense variant.
Genome position (GRCh38, 1-based): chr11:679,718, C>T on the plus strand (G>A on the coding strand, the complement: DEAF1 is on the minus strand). VCF-style: chr11-679718-C-T. GRCh37 (hg19) VCF-style: chr11-679718-C-T.
Other names: c.829G>A, p.Ala277Thr (NM_001293634.2); c.370G>A, p.Ala124Thr (NM_001367390.1); short protein forms A366T, A124T, A277T.
Identifiers: ClinVar variation 420265 (VCV000420265.7), dbSNP rs1064794382, ClinGen allele CA16619386.